The following is an entry in ClinVar:

ClinVar aggregate classification (germline): Conflicting classifications of pathogenicity. Review status: criteria provided, conflicting classifications (1 of 4 stars). 3 submissions from 3 submitters: Uncertain significance (2); Likely benign (1). Last evaluated 2024-12-16.

Conditions:
Inborn genetic diseases. Identifiers: MedGen C0950123, MeSH D030342.

Allele frequency attached by ClinVar (database versions not stated): gnomAD exomes 0.00005; ESP Exome Variant Server 0.00008; ExAC 0.00002; gnomAD 0.00002.
gnomAD v4.1: 71 of 1,613,546 alleles (0.0044%); highest among the groups gnomAD compares: Non-Finnish European, 0.0045%; no homozygotes.

Submissions (3):

Labcorp Genetics (formerly Invitae), Labcorp
Classification: Uncertain significance. Last evaluated: 2024-12-16. Review status: criteria provided, single submitter. Criteria: Invitae Variant Classification Sherloc (09022015). Collection method: clinical testing. Allele origin: germline.
Comment: This sequence change replaces alanine, which is neutral and non-polar, with valine, which is neutral and non-polar, at codon 135 of the MYO18B protein (p.Ala135Val). This variant is present in population databases (rs371265439, gnomAD 0.02%). This variant has not been reported in the literature in individuals affected with MYO18B-related conditions. ClinVar contains an entry for this variant (Variation ID: 1430982). An algorithm developed to predict the effect of missense changes on protein structure and function outputs the following: PolyPhen-2: "Benign". The valine amino acid residue is found in multiple mammalian species, which suggests that this missense change does not adversely affect protein function. In summary, the available evidence is currently insufficient to determine the role of this variant in disease. Therefore, it has been classified as a Variant of Uncertain Significance.

Blueprint Genetics
Classification: Likely benign. Last evaluated: 2023-12-21. Review status: criteria provided, single submitter. Criteria: ACMG Guidelines, 2015. Collection method: clinical testing. Allele origin: germline.

Ambry Genetics
Classification: Uncertain significance for Inborn genetic diseases. Last evaluated: 2021-07-06. Review status: criteria provided, single submitter. Criteria: Ambry Variant Classification Scheme 2023. Collection method: clinical testing. Allele origin: germline.

NM_032608.7(MYO18B):c.404C>T (p.Ala135Val)

Gene: MYO18B (myosin XVIIIB; plus strand). Cytogenetic location: 22q12.1.
Variant type: single nucleotide variant.
Coding change: c.404C>T on transcript NM_032608.7 (MANE Select); coding-DNA position 404, C replaced by T.
Protein change: p.Ala135Val; replaces alanine 135 with valine.
Molecular consequence: missense variant.
Genome position (GRCh38, 1-based): chr22:25,768,320, C>T. VCF-style: chr22-25768320-C-T. GRCh37 (hg19) VCF-style: chr22-26164287-C-T.
Other names: c.404C>T, p.Ala135Val (NM_001318245.2); c.404C>T (NM_032608.5); short protein forms A135V.
Identifiers: ClinVar variation 1430982 (VCV001430982.6), dbSNP rs371265439, ClinGen allele CA10159570.